The following is an entry in ClinVar:

NM_000229.2(LCAT):c.340G>A (p.Val114Met)

Gene: LCAT (lecithin-cholesterol acyltransferase; minus strand). Cytogenetic location: 16q22.1.
Variant type: single nucleotide variant.
Coding change: c.340G>A on transcript NM_000229.2 (MANE Select); coding-DNA position 340, G replaced by A.
Protein change: p.Val114Met; replaces valine 114 with methionine.
Molecular consequence: missense variant.
Genome position (GRCh38, 1-based): chr16:67,942,948, C>T on the plus strand (G>A on the coding strand, the complement: LCAT is on the minus strand). VCF-style: chr16-67942948-C-T. GRCh37 (hg19) VCF-style: chr16-67976851-C-T.
Other names: short protein forms V114M.
Identifiers: ClinVar variation 885597 (VCV000885597.15), dbSNP rs35673026, ClinGen allele CA8121104.

ClinVar aggregate classification (germline): Benign/Likely benign. Review status: criteria provided, multiple submitters, no conflicts (2 of 4 stars). 4 submissions from 4 submitters: Benign (1); Likely benign (3). Last evaluated 2026-01-11.

Conditions:
Cardiovascular phenotype. Identifiers: MedGen CN230736.
Norum disease. Also called: Familial lecithin cholesterol acyltransferase deficiency. Identifiers: Orphanet 79293, MedGen C0023195, MONDO:0009515, OMIM 245900.
Fish-eye disease (FED). Also called: ALPHA-LCAT DEFICIENCY; DYSLIPOPROTEINEMIC CORNEAL DYSTROPHY; LCATA DEFICIENCY. Identifiers: Orphanet 650, Orphanet 79292, MedGen C0342895, MONDO:0007620, OMIM 136120.
LCAT deficiency. Also called: Lecithin Acyltransferase Deficiency. Identifiers: Orphanet 650, Orphanet 79293, MedGen C5779633, MONDO:0018999.

Allele frequency attached by ClinVar (database versions not stated): ESP Exome Variant Server 0.00092; TOPMed 0.00150; 1000 Genomes Project 0.00200; 1000 Genomes Project 30x 0.00250.
gnomAD v4.1: 623 of 1,613,856 alleles (0.039%); highest among the groups gnomAD compares: African/African-American, 0.44%; 3 homozygotes.

Submissions (4):

Labcorp Genetics (formerly Invitae), Labcorp
Classification: Likely benign. Last evaluated: 2026-01-11. Review status: criteria provided, single submitter. Criteria: Invitae Variant Classification Sherloc (09022015). Collection method: clinical testing. Allele origin: germline.

Fulgent Genetics
Classification: Likely benign for Fish-eye disease; Norum disease. Last evaluated: 2022-04-07. Review status: criteria provided, single submitter. Criteria: ACMG Guidelines, 2015. Collection method: clinical testing. Allele origin: unknown.

Ambry Genetics
Classification: Likely benign for Cardiovascular phenotype. Last evaluated: 2021-05-10. Review status: criteria provided, single submitter. Criteria: Ambry Variant Classification Scheme 2023. Collection method: clinical testing. Allele origin: germline.

Illumina Laboratory Services, Illumina
Classification: Benign for Norum disease. Last evaluated: 2017-04-28. Review status: criteria provided, single submitter. Criteria: ICSL Variant Classification Criteria 13 December 2019. Collection method: clinical testing. Allele origin: germline.
Comment: This variant was observed as part of a predisposition screen in an ostensibly healthy population. A literature search was performed for the gene, cDNA change, and amino acid change (where applicable). Publications were found based on this search. The evidence from the literature, in combination with allele frequency data from public databases where available, was sufficient to rule this variant out of causing disease. Therefore, this variant is classified as benign.

Literature cited by the submitters: PubMed 15297675 (cited by Ambry Genetics and Illumina Laboratory Services, Illumina); PubMed 22629316 (cited by Ambry Genetics); PubMed 22923420 (cited by Ambry Genetics); PubMed 23236364 (cited by Ambry Genetics); PubMed 24507774 (cited by Ambry Genetics); PubMed 29083407 (cited by Ambry Genetics).